The following is an entry in ClinVar:

NM_000038.6(APC):c.6226C>T (p.Leu2076=)

Gene: APC (APC regulator of Wnt signaling pathway; plus strand). Cytogenetic location: 5q22.2.
Variant type: single nucleotide variant.
Coding change: c.6226C>T on transcript NM_000038.6 (MANE Select); coding-DNA position 6226, C replaced by T.
Protein change: p.Leu2076=; no amino-acid change (leucine 2076 retained).
Molecular consequence: synonymous variant. On other transcripts: non-coding transcript variant (2).
Genome position (GRCh38, 1-based): chr5:112,841,820, C>T. VCF-style: chr5-112841820-C-T. GRCh37 (hg19) VCF-style: chr5-112177517-C-T.
Other names: c.6226C>T, p.Leu2076= (NM_001127510.3, NM_001354895.2, NM_001407450.1); c.6172C>T, p.Leu2058= (NM_001127511.3); c.6280C>T, p.Leu2094= (NM_001354896.2, NM_001407447.1, NM_001407448.1 and 1 more transcripts); c.6256C>T, p.Leu2086= (NM_001354897.2); c.6151C>T, p.Leu2051= (NM_001354898.2); c.6142C>T, p.Leu2048= (NM_001354899.2); c.6103C>T, p.Leu2035= (NM_001354900.2); c.6049C>T, p.Leu2017= (NM_001354901.2, NM_001407453.1); and 11 more.
Identifiers: ClinVar variation 4085712 (VCV004085712.8).

ClinVar aggregate classification (germline): Likely benign (1 of 4 stars; one submission).

Submission:

CeGaT Center for Human Genetics Tuebingen
Classification: Likely benign. Last evaluated: 2025-08-01. Review status: criteria provided, single submitter. Criteria: CeGaT Center For Human Genetics Tuebingen Variant Classification Criteria Version 2. Collection method: clinical testing. Allele origin: germline. Affected: yes. Observed: 1 variant allele.
Comment: APC: PM2:Supporting, BP4, BP7